The following is an entry in ClinVar:

NM_017763.6(RNF43):c.1744A>G (p.Ile582Val)

Gene: RNF43 (ring finger protein 43; minus strand). Cytogenetic location: 17q22.
Variant type: single nucleotide variant.
Coding change: c.1744A>G on transcript NM_017763.6 (MANE Select); coding-DNA position 1744, A replaced by G.
Protein change: p.Ile582Val; replaces isoleucine 582 with valine.
Molecular consequence: missense variant.
Genome position (GRCh38, 1-based): chr17:58,358,032, T>C on the plus strand (A>G on the coding strand, the complement: RNF43 is on the minus strand). VCF-style: chr17-58358032-T-C. GRCh37 (hg19) VCF-style: chr17-56435393-T-C.
Other names: c.1744A>G, p.Ile582Val (NM_001305544.3); c.1363A>G, p.Ile455Val (NM_001305545.2); short protein forms I582V, I455V.
Identifiers: ClinVar variation 2883636 (VCV002883636.5), dbSNP rs375205991, ClinGen allele CA8673119.

ClinVar aggregate classification (germline): Conflicting classifications of pathogenicity. Review status: criteria provided, conflicting classifications (1 of 4 stars). 3 submissions from 3 submitters: Uncertain significance (2); Likely benign (1). Last evaluated 2025-02-06.

Allele frequency attached by ClinVar (database versions not stated): ExAC 0.00002; TOPMed 0.00006; ESP Exome Variant Server 0.00008; gnomAD exomes 0.00001; gnomAD 0.00005.
gnomAD v4.1: 22 of 1,590,160 alleles (0.0014%); highest among the groups gnomAD compares: African/African-American, 0.027%; no homozygotes.

Submissions (3):

Labcorp Genetics (formerly Invitae), Labcorp
Classification: Uncertain significance. Last evaluated: 2025-02-06. Review status: criteria provided, single submitter. Criteria: Invitae Variant Classification Sherloc (09022015). Collection method: clinical testing. Allele origin: germline.
Comment: This sequence change replaces isoleucine, which is neutral and non-polar, with valine, which is neutral and non-polar, at codon 582 of the RNF43 protein (p.Ile582Val). This variant is present in population databases (rs375205991, gnomAD 0.02%). This variant has not been reported in the literature in individuals affected with RNF43-related conditions. ClinVar contains an entry for this variant (Variation ID: 2883636). An algorithm developed to predict the effect of missense changes on protein structure and function outputs the following: PolyPhen-2: "Benign". The valine amino acid residue is found in multiple mammalian species, which suggests that this missense change does not adversely affect protein function. In summary, the available evidence is currently insufficient to determine the role of this variant in disease. Therefore, it has been classified as a Variant of Uncertain Significance.

Ambry Genetics
Classification: Likely benign. Last evaluated: 2024-11-22. Review status: criteria provided, single submitter. Criteria: Ambry Variant Classification Scheme 2023. Collection method: clinical testing. Allele origin: germline.

GeneDx
Classification: Uncertain significance. Last evaluated: 2024-05-17. Review status: criteria provided, single submitter. Criteria: GeneDx Variant Classification Process June 2021. Collection method: clinical testing. Allele origin: germline. Affected: yes.
Comment: Not observed at significant frequency in large population cohorts (gnomAD); In silico analysis indicates that this missense variant does not alter protein structure/function; Has not been previously published as pathogenic or benign to our knowledge; Variants in candidate genes are classified as variants of uncertain significance in accordance with ACMG guidelines (PMID: 25741868)